The following is an entry in ClinVar:

NM_000053.4(ATP7B):c.2035dup (p.His679fs)

Gene: ATP7B (ATPase copper transporting beta; minus strand). Cytogenetic location: 13q14.3.
Variant type: Duplication.
Coding change: c.2035dup on transcript NM_000053.4 (MANE Select); coding-DNA position 2035, one base duplicated (C; older notation c.2035dupC).
Protein change: p.His679fs; shifts the reading frame from histidine 679.
Molecular consequence: frameshift variant. On other transcripts: intron variant (13).
Genome position (GRCh38, 1-based): chr13:51,960,234, G duplicated on the plus strand (C on the coding strand, the reverse complement: ATP7B is on the minus strand); the first of 4 consecutive G bases (chr13:51,960,234-51,960,237); duplicating any one gives the same sequence. VCF-style (leftmost placement, unchanged base first): chr13-51960233-T-TG. GRCh37 (hg19) VCF-style: chr13-52534369-T-TG.
Other names: c.1702dup, p.His568fs (NM_001243182.2); c.2035dup, p.His679fs (NM_001330578.2, NM_001406511.1, NM_001406512.1 and 16 more transcripts); c.2002dup, p.His668fs (NM_001406514.1, NM_001406524.1); c.1939dup, p.His647fs (NM_001406517.1, NM_001406518.1, NM_001406530.1 and 1 more transcripts); c.1606dup, p.His536fs (NM_001406539.1); c.1870-2627dup (NM_001406541.1, NM_001005918.3, NM_001406546.1 and 1 more transcripts); c.1870-1690dup (NM_001406531.1, NM_001406532.1, NM_001406540.1 and 1 more transcripts); c.1774-1690dup (NM_001406543.1); and 3 more; short protein forms H536fs, H647fs, H568fs, H668fs, H679fs.
Identifiers: ClinVar variation 2834275 (VCV002834275.4), dbSNP rs786204764, ClinGen allele CA2739277626.

ClinVar aggregate classification (germline): Pathogenic. Review status: criteria provided, multiple submitters, no conflicts (2 of 4 stars). 2 submissions from 2 submitters: Pathogenic (2). Last evaluated 2025-06-12.

Conditions:
Wilson disease (WND). Also called: Wilson's disease. Identifiers: Orphanet 905, MedGen C0019202, MONDO:0010200, OMIM 277900. Disease mechanism: loss of function.

Submissions (2):

Labcorp Genetics (formerly Invitae), Labcorp
Classification: Pathogenic for Wilson disease. Last evaluated: 2025-06-12. Review status: criteria provided, single submitter. Criteria: Invitae Variant Classification Sherloc (09022015). Collection method: clinical testing. Allele origin: germline.
Comment: This sequence change creates a premature translational stop signal (p.His679Profs*76) in the ATP7B gene. It is expected to result in an absent or disrupted protein product. Loss-of-function variants in ATP7B are known to be pathogenic (PMID: 10441329, 16283883). This variant is not present in population databases (gnomAD no frequency). This variant has not been reported in the literature in individuals affected with ATP7B-related conditions. ClinVar contains an entry for this variant (Variation ID: 2834275). For these reasons, this variant has been classified as Pathogenic.

All of Us Research Program, National Institutes of Health
Classification: Pathogenic for Wilson disease. Last evaluated: 2024-03-24. Review status: criteria provided, single submitter. Criteria: ACMG Guidelines, 2015. Collection method: clinical testing. Allele origin: germline. Inheritance: Autosomal recessive inheritance. Observed: 1 variant allele, 1 heterozygote.
Comment: This variant inserts 1 nucleotide in exon 7 of the ATP7B gene, creating a frameshift and premature translation stop signal. This variant is expected to result in an absent or non-functional protein product. To our knowledge, this variant has not been reported in individuals affected with ATP7B-related disorders in the literature. This variant has not been identified in the general population by the Genome Aggregation Database (gnomAD). Loss of ATP7B function is a known mechanism of disease. Based on the available evidence, this variant is classified as Pathogenic.

This study involves interpretation of variants in research participants for the purpose of population health screening. Participant phenotype was not available at the time of variant classification. Additional details can be found in publication PMID: 35346344, PMCID: PMC8962531

Literature cited by the submitters: PubMed 10441329 (cited by Labcorp Genetics (formerly Invitae), Labcorp); PubMed 16283883 (cited by Labcorp Genetics (formerly Invitae), Labcorp).